The following is an entry in ClinVar:

ClinVar aggregate classification (germline): Uncertain significance (1 of 4 stars; one submission).

Conditions:
Werner syndrome (WRN). Identifiers: Orphanet 902, MedGen C0043119, MONDO:0010196, OMIM 277700.

Allele frequency attached by ClinVar (database versions not stated): gnomAD exomes below 0.00001; TOPMed below 0.00001.
gnomAD v4.1: 2 of 1,614,124 alleles (0.00012%); highest among the groups gnomAD compares: Non-Finnish European, 0.00017%; no homozygotes.

Submission:

Labcorp Genetics (formerly Invitae), Labcorp
Classification: Uncertain significance for Werner syndrome. Last evaluated: 2022-04-01. Review status: criteria provided, single submitter. Criteria: Invitae Variant Classification Sherloc (09022015). Collection method: clinical testing. Allele origin: germline.
Comment: This sequence change replaces alanine, which is neutral and non-polar, with threonine, which is neutral and polar, at codon 963 of the WRN protein (p.Ala963Thr). This variant is not present in population databases (gnomAD no frequency). This variant has not been reported in the literature in individuals affected with WRN-related conditions. Algorithms developed to predict the effect of missense changes on protein structure and function are either unavailable or do not agree on the potential impact of this missense change (SIFT: "Not Available"; PolyPhen-2: "Possibly Damaging"; Align-GVGD: "Not Available"). In summary, the available evidence is currently insufficient to determine the role of this variant in disease. Therefore, it has been classified as a Variant of Uncertain Significance.

NM_000553.6(WRN):c.2887G>A (p.Ala963Thr)

Gene: WRN (WRN RecQ like helicase; plus strand). Cytogenetic location: 8p12.
Variant type: single nucleotide variant.
Coding change: c.2887G>A on transcript NM_000553.6 (MANE Select); coding-DNA position 2887, G replaced by A.
Protein change: p.Ala963Thr; replaces alanine 963 with threonine.
Molecular consequence: missense variant.
Genome position (GRCh38, 1-based): chr8:31,132,426, G>A. VCF-style: chr8-31132426-G-A. GRCh37 (hg19) VCF-style: chr8-30989942-G-A.
Other names: short protein forms A963T.
Identifiers: ClinVar variation 1440184 (VCV001440184.5), dbSNP rs1228313718, ClinGen allele CA370919009.